The following is an entry in ClinVar:

ClinVar aggregate classification (germline): Likely pathogenic (1 of 4 stars; one submission).

Submission:

Institute for Clinical Genetics, University Hospital TU Dresden, University Hospital TU Dresden
Classification: Likely pathogenic. Last evaluated: 2022-01-10. Review status: criteria provided, single submitter. Criteria: ACMG Guidelines, 2015. Collection method: clinical testing. Allele origin: germline.
Comment: PVS1, PM2_SUP

NM_000135.4(FANCA):c.1954C>T (p.Gln652Ter)

Gene: FANCA (FA complementation group A; minus strand). Cytogenetic location: 16q24.3.
Variant type: single nucleotide variant.
Coding change: c.1954C>T on transcript NM_000135.4 (MANE Select); coding-DNA position 1954, C replaced by T.
Protein change: p.Gln652Ter; replaces glutamine 652 with a stop codon.
Molecular consequence: nonsense.
Genome position (GRCh38, 1-based): chr16:89,773,331, G>A on the plus strand (C>T on the coding strand, the complement: FANCA is on the minus strand). VCF-style: chr16-89773331-G-A. GRCh37 (hg19) VCF-style: chr16-89839739-G-A.
Other names: c.1954C>T, p.Gln652Ter (NM_001286167.3); short protein forms Q652*.
Identifiers: ClinVar variation 2575933 (VCV002575933.1), dbSNP rs2544207517, ClinGen allele CA397450033.